The following is an entry in ClinVar:

ClinVar aggregate classification (germline): Likely benign (1 of 4 stars; one submission).

Allele frequency attached by ClinVar (database versions not stated): 1000 Genomes Project 30x 0.00078; 1000 Genomes Project 0.00080; TOPMed 0.00153; ESP Exome Variant Server 0.00161; ExAC 0.00231; gnomAD 0.00238; gnomAD exomes 0.00251.
gnomAD v4.1: 4,015 of 1,614,178 alleles (0.25%); highest among the groups gnomAD compares: Non-Finnish European, 0.25%; 7 homozygotes.

Submission:

CeGaT Center for Human Genetics Tuebingen
Classification: Likely benign. Last evaluated: 2023-04-01. Review status: criteria provided, single submitter. Criteria: CeGaT Center For Human Genetics Tuebingen Variant Classification Criteria Version 2. Collection method: clinical testing. Allele origin: germline. Affected: yes. Observed: 1 variant allele.
Comment: STK40: BP4, BP7

NM_001282547.2(STK40):c.438T>C (p.Ala146=)

Gene: STK40 (serine/threonine kinase 40; minus strand). Cytogenetic location: 1p34.3.
Variant type: single nucleotide variant.
Coding change: c.438T>C on transcript NM_001282547.2 (MANE Select); coding-DNA position 438, T replaced by C.
Protein change: p.Ala146=; no amino-acid change (alanine 146 retained).
Molecular consequence: synonymous variant.
Genome position (GRCh38, 1-based): chr1:36,355,338, A>G on the plus strand (T>C on the coding strand, the complement: STK40 is on the minus strand). VCF-style: chr1-36355338-A-G. GRCh37 (hg19) VCF-style: chr1-36820939-A-G.
Other names: c.453T>C, p.Ala151= (NM_001282546.2); c.438T>C, p.Ala146= (NM_032017.3).
Identifiers: ClinVar variation 2638671 (VCV002638671.24), dbSNP rs145965967, ClinGen allele CA767817.